The following is an entry in ClinVar:

NM_000722.4(CACNA2D1):c.340A>T (p.Arg114Ter)

Gene: CACNA2D1 (calcium voltage-gated channel auxiliary subunit alpha2delta 1; minus strand). Cytogenetic location: 7q21.11.
Variant type: single nucleotide variant.
Coding change: c.340A>T on transcript NM_000722.4 (MANE Select); coding-DNA position 340, A replaced by T.
Protein change: p.Arg114Ter; replaces arginine 114 with a stop codon.
Molecular consequence: nonsense.
Genome position (GRCh38, 1-based): chr7:82,170,564, T>A on the plus strand (A>T on the coding strand, the complement: CACNA2D1 is on the minus strand). VCF-style: chr7-82170564-T-A. GRCh37 (hg19) VCF-style: chr7-81799880-T-A.
Other names: c.340A>T, p.Arg114Ter (NM_001302890.2, NM_001366867.1); short protein forms R114*.
Identifiers: ClinVar variation 3484080 (VCV003484080.1).

ClinVar aggregate classification (germline): Uncertain significance (1 of 4 stars; one submission).

Conditions:
Cardiovascular phenotype. Identifiers: MedGen CN230736.

Submission:

Ambry Genetics
Classification: Uncertain significance for Cardiovascular phenotype. Last evaluated: 2024-08-15. Review status: criteria provided, single submitter. Criteria: Ambry Variant Classification Scheme 2023. Collection method: clinical testing. Allele origin: germline.
Comment: The p.R114* variant (also known as c.340A>T), located in coding exon 4 of the CACNA2D1 gene, results from an A to T substitution at nucleotide position 340. This changes the amino acid from an arginine to a stop codon within coding exon 4. This alteration is expected to result in loss of function by premature protein truncation or nonsense-mediated mRNA decay. However, the evidence for this gene-disease relationship is limited; therefore, the clinical significance of this alteration is unclear.